The following is an entry in ClinVar:

NM_000213.5(ITGB4):c.2513G>A (p.Arg838Gln)

Gene: ITGB4 (integrin subunit beta 4; plus strand). Cytogenetic location: 17q25.1.
Variant type: single nucleotide variant.
Coding change: c.2513G>A on transcript NM_000213.5 (MANE Select); coding-DNA position 2513, G replaced by A.
Protein change: p.Arg838Gln; replaces arginine 838 with glutamine.
Molecular consequence: missense variant.
Genome position (GRCh38, 1-based): chr17:75,740,424, G>A. VCF-style: chr17-75740424-G-A. GRCh37 (hg19) VCF-style: chr17-73736505-G-A.
Other names: c.2513G>A, p.Arg838Gln (NM_001005619.2, NM_001005731.3, NM_001321123.2); short protein forms R838Q.
Identifiers: ClinVar variation 1914100 (VCV001914100.3), dbSNP rs760130077, ClinGen allele CA8769430.
Genomic context (GRCh38, chr17:75,740,424, plus strand): 5'-ACGGGCTGTCCTTGCGCCTGGCCCGCCTTTGCACCGAGAACCTGCTGAAGCCTGACACTC[G>A]GGAGTGCGCCCAGCTGCGCCAGGAGGTGGAGGAGAACGTAAGGACCCAGGAACTAGGCCT-3'
Protein context (NP_000204.3, residues 828-848): CTENLLKPDT[Arg838Gln]ECAQLRQEVE

ClinVar aggregate classification (germline): Uncertain significance. Review status: criteria provided, multiple submitters, no conflicts (2 of 4 stars). 2 submissions from 2 submitters: Uncertain significance (2). Last evaluated 2023-12-21.

Conditions:
Epidermolysis bullosa, junctional 5A, intermediate. Also called: EPIDERMOLYSIS BULLOSA, JUNCTIONAL 5A, GENERALIZED INTERMEDIATE; EPIDERMOLYSIS BULLOSA, JUNCTIONAL 5A, NON-HERLITZ TYPE. Identifiers: MedGen C5676956, MONDO:0030768, OMIM 619816.
Junctional epidermolysis bullosa with pyloric atresia. Also called: CARMI SYNDROME; ITGB4-Related Epidermolysis Bullosa with Pyloric Atresia; ITGA6-Related Epidermolysis Bullosa with Pyloric Atresia; Epidermolysis bullosa, junctional, with pyloric atresia and aplasia cutis congenita; Epidermolysis bullosa junctionalis with pyloric atresia; APLASIA CUTIS CONGENITA WITH GASTROINTESTINAL ATRESIA. Identifiers: Orphanet 79403, MedGen C5676875, MONDO:0009183, OMIM 226730.

Allele frequency attached by ClinVar (database versions not stated): ExAC 0.00003; gnomAD 0.00007.

Submissions (2):

Fulgent Genetics
Classification: Uncertain significance for Junctional epidermolysis bullosa with pyloric atresia; Epidermolysis bullosa, junctional 5A, intermediate. Last evaluated: 2023-12-21. Review status: criteria provided, single submitter. Criteria: ACMG Guidelines, 2015. Collection method: clinical testing. Allele origin: germline.

Labcorp Genetics (formerly Invitae), Labcorp
Classification: Uncertain significance. Last evaluated: 2022-08-27. Review status: criteria provided, single submitter. Criteria: Invitae Variant Classification Sherloc (09022015). Collection method: clinical testing. Allele origin: germline.
Comment: This sequence change replaces arginine, which is basic and polar, with glutamine, which is neutral and polar, at codon 838 of the ITGB4 protein (p.Arg838Gln). This variant is present in population databases (rs760130077, gnomAD 0.03%). This variant has not been reported in the literature in individuals affected with ITGB4-related conditions. Algorithms developed to predict the effect of missense changes on protein structure and function are either unavailable or do not agree on the potential impact of this missense change (SIFT: "Not Available"; PolyPhen-2: "Benign"; Align-GVGD: "Not Available"). In summary, the available evidence is currently insufficient to determine the role of this variant in disease. Therefore, it has been classified as a Variant of Uncertain Significance.